The following is an entry in ClinVar:

ClinVar aggregate classification (germline): Uncertain significance (0 of 4 stars; one submission).

Conditions:
PCSK1-related disorder. Also called: PCSK1-related condition.

gnomAD v4.1: 2 of 1,614,116 alleles (0.00012%); highest among the groups gnomAD compares: Admixed American, 0.0017%; no homozygotes.

Submission:

PreventionGenetics, part of Exact Sciences
Classification: Uncertain significance for PCSK1-related condition. Last evaluated: 2024-05-15. Review status: no assertion criteria provided. Collection method: clinical testing. Allele origin: germline.
Comment: The PCSK1 c.1337C>T variant is predicted to result in the amino acid substitution p.Ala446Val. This variant was observed in a cohort of obese individuals, and in vitro functional studies show moderate evidence of loss of function (Table 3 and Supplemental Data Set, Shah et al. 2023. PubMed ID: 36864747). This variant is reported in 0.0058% of alleles in individuals of Latino descent in gnomAD. Although we suspect this variant may be pathogenic, at this time, the clinical significance of this variant is uncertain due to the absence of conclusive functional and genetic evidence.

NM_000439.5(PCSK1):c.1337C>T (p.Ala446Val)

Genes: CAST (calpastatin; plus strand), PCSK1 (proprotein convertase subtilisin/kexin type 1; minus strand), LOC101929710 (uncharacterized LOC101929710; plus strand). Cytogenetic location: 5q15.
Variant type: single nucleotide variant.
Coding change: c.1337C>T on transcript NM_000439.5 (MANE Select); coding-DNA position 1337, C replaced by T.
Protein change: p.Ala446Val; replaces alanine 446 with valine.
Molecular consequence: missense variant. On other transcripts: intron variant (11).
Genome position (GRCh38, 1-based): chr5:96,400,046, G>A on the plus strand (C>T on the coding strand, the complement: PCSK1 is on the minus strand). VCF-style: chr5-96400046-G-A. GRCh37 (hg19) VCF-style: chr5-95735750-G-A.
Other names: c.1196C>T, p.Ala399Val (NM_001177875.2); c.-175+20394G>A (NM_001423254.1, NM_001423259.1, NM_001423255.1 and 6 more transcripts); c.-103+20394G>A (NM_001423253.1); c.-40+20394G>A (NM_001423258.1); short protein forms A399V, A446V.
Identifiers: ClinVar variation 3357293 (VCV003357293.1).